The following is an entry in ClinVar:

NM_003742.4(ABCB11):c.1197+193dup

Gene: ABCB11 (ATP binding cassette subfamily B member 11; minus strand). Cytogenetic location: 2q31.1.
Variant type: Duplication.
Coding change: c.1197+193dup on transcript NM_003742.4 (MANE Select); 193 bases into the intron after coding-DNA position 1197, one base duplicated (T; older notation c.1197+193dupT).
Molecular consequence: intron variant.
Genome position (GRCh38, 1-based): chr2:168,979,673, A duplicated on the plus strand (T on the coding strand, the reverse complement: ABCB11 is on the minus strand); the first of 27 consecutive A bases (chr2:168,979,673-168,979,699); duplicating any one gives the same sequence. VCF-style (leftmost placement, unchanged base first): chr2-168979672-C-CA. GRCh37 (hg19) VCF-style: chr2-169836182-C-CA.
Identifiers: ClinVar variation 1707379 (VCV001707379.2), dbSNP rs55859131, ClinGen allele CA537527232.

ClinVar aggregate classification (germline): Likely benign (1 of 4 stars; one submission).

Submission:

GeneDx
Classification: Likely benign. Last evaluated: 2021-05-25. Review status: criteria provided, single submitter. Criteria: GeneDx Variant Classification Process June 2021. Collection method: clinical testing. Allele origin: germline. Affected: yes.
Comment: See Variant Classification Assertion Criteria.